The following is an entry in ClinVar:

ClinVar aggregate classification (germline): Uncertain significance. Review status: criteria provided, multiple submitters, no conflicts (2 of 4 stars). 2 submissions from 2 submitters: Uncertain significance (2). Last evaluated 2025-12-24.

Conditions:
Inborn genetic diseases. Identifiers: MedGen C0950123, MeSH D030342.

gnomAD v4.1: 6 of 1,613,990 alleles (0.00037%); highest among the groups gnomAD compares: African/African-American, 0.0013%; no homozygotes.

Submissions (2):

Labcorp Genetics (formerly Invitae), Labcorp
Classification: Uncertain significance. Last evaluated: 2025-12-24. Review status: criteria provided, single submitter. Criteria: Invitae Variant Classification Sherloc (09022015). Collection method: clinical testing. Allele origin: germline.
Comment: This sequence change replaces glutamine, which is neutral and polar, with histidine, which is basic and polar, at codon 1220 of the MYH9 protein (p.Gln1220His). This variant is not present in population databases (gnomAD no frequency). This variant has not been reported in the literature in individuals affected with MYH9-related conditions. ClinVar contains an entry for this variant (Variation ID: 3709229). Invitae Evidence Modeling of protein sequence and biophysical properties (such as structural, functional, and spatial information, amino acid conservation, physicochemical variation, residue mobility, and thermodynamic stability) indicates that this missense variant is not expected to disrupt MYH9 protein function with a negative predictive value of 95%. In summary, the available evidence is currently insufficient to determine the role of this variant in disease. Therefore, it has been classified as a Variant of Uncertain Significance.

Ambry Genetics
Classification: Uncertain significance for Inborn genetic diseases. Last evaluated: 2025-07-15. Review status: criteria provided, single submitter. Criteria: Ambry Variant Classification Scheme 2023. Collection method: clinical testing. Allele origin: germline.

NM_002473.6(MYH9):c.3660G>C (p.Gln1220His)

Gene: MYH9 (myosin heavy chain 9; minus strand). Cytogenetic location: 22q12.3.
Variant type: single nucleotide variant.
Coding change: c.3660G>C on transcript NM_002473.6 (MANE Select); coding-DNA position 3660, G replaced by C.
Protein change: p.Gln1220His; replaces glutamine 1220 with histidine.
Molecular consequence: missense variant.
Genome position (GRCh38, 1-based): chr22:36,294,269, C>G on the plus strand (G>C on the coding strand, the complement: MYH9 is on the minus strand). VCF-style: chr22-36294269-C-G. GRCh37 (hg19) VCF-style: chr22-36690315-C-G.
Other names: c.3660G>C (NM_002473.4); short protein forms Q1220H.
Identifiers: ClinVar variation 3709229 (VCV003709229.3).